The following is an entry in ClinVar:

ClinVar aggregate classification (germline): Uncertain significance. Review status: criteria provided, multiple submitters, no conflicts (2 of 4 stars). 2 submissions from 2 submitters: Uncertain significance (2). Last evaluated 2025-10-03.

gnomAD v4.1: 39 of 1,526,984 alleles (0.0026%); highest among the groups gnomAD compares: Admixed American, 0.011%; no homozygotes.

Submissions (2):

Labcorp Genetics (formerly Invitae), Labcorp
Classification: Uncertain significance. Last evaluated: 2025-10-03. Review status: criteria provided, single submitter. Criteria: Invitae Variant Classification Sherloc (09022015). Collection method: clinical testing. Allele origin: germline.
Comment: This sequence change replaces arginine, which is basic and polar, with serine, which is neutral and polar, at codon 2365 of the WDR87 protein (p.Arg2365Ser). This variant is present in population databases (no rsID available, gnomAD 0.006%). This variant has not been reported in the literature in individuals affected with WDR87-related conditions. ClinVar contains an entry for this variant (Variation ID: 3332996). Experimental studies and prediction algorithms are not available or were not evaluated, and the functional significance of this variant is currently unknown. In summary, the available evidence is currently insufficient to determine the role of this variant in disease. Therefore, it has been classified as a Variant of Uncertain Significance.

Ambry Genetics
Classification: Uncertain significance. Last evaluated: 2024-05-20. Review status: criteria provided, single submitter. Criteria: Ambry Variant Classification Scheme 2023. Collection method: clinical testing. Allele origin: germline.

NM_001291088.2(WDR87):c.7212A>T (p.Arg2404Ser)

Gene: WDR87 (WD repeat domain 87; minus strand). Cytogenetic location: 19q13.13.
Variant type: single nucleotide variant.
Coding change: c.7212A>T on transcript NM_001291088.2 (MANE Select); coding-DNA position 7212, A replaced by T.
Protein change: p.Arg2404Ser; replaces arginine 2404 with serine.
Molecular consequence: missense variant.
Genome position (GRCh38, 1-based): chr19:37,886,459, T>A on the plus strand (A>T on the coding strand, the complement: WDR87 is on the minus strand). VCF-style: chr19-37886459-T-A. GRCh37 (hg19) VCF-style: chr19-38377099-T-A.
Other names: c.7095A>T, p.Arg2365Ser (NM_031951.5); short protein forms R2365S, R2404S.
Identifiers: ClinVar variation 3332996 (VCV003332996.2).